The following is an entry in ClinVar:

ClinVar aggregate classification (germline): Pathogenic (1 of 4 stars; one submission).

Conditions:
Nemaline myopathy 2 (NEM2). Also called: Nemaline myopathy 2, autosomal recessive. Identifiers: MedGen C1850569, MONDO:0009725, OMIM 256030.

Submission:

Labcorp Genetics (formerly Invitae), Labcorp
Classification: Pathogenic for Nemaline myopathy 2. Last evaluated: 2022-12-30. Review status: criteria provided, single submitter. Criteria: Invitae Variant Classification Sherloc (09022015). Collection method: clinical testing. Allele origin: germline.
Comment: For these reasons, this variant has been classified as Pathogenic. This sequence change creates a premature translational stop signal (p.Arg7300Aspfs*47) in the NEB gene. It is expected to result in an absent or disrupted protein product. Loss-of-function variants in NEB are known to be pathogenic (PMID: 25205138). This variant is not present in population databases (gnomAD no frequency). This variant has not been reported in the literature in individuals affected with NEB-related conditions.

Literature cited by the submitters: PubMed 25205138.

NM_001164508.2(NEB):c.21793del (p.Arg7265fs)

Genes: NEB (nebulin; minus strand), RIF1 (replication timing regulatory factor 1; plus strand). Cytogenetic location: 2q23.3.
Variant type: Deletion.
Coding change: c.21793del on transcript NM_001164508.2 (MANE Select); coding-DNA position 21793, one base deleted (C; older notation c.21793delC).
Protein change: p.Arg7265fs; shifts the reading frame from arginine 7265.
Molecular consequence: frameshift variant.
Genome position (GRCh38, 1-based): chr2:151,527,528, G deleted on the plus strand (C on the coding strand, the reverse complement: NEB is on the minus strand); the first of 2 consecutive G bases (chr2:151,527,528-151,527,529); deleting either gives the same sequence. VCF-style (leftmost placement, unchanged base first): chr2-151527527-CG-C. GRCh37 (hg19) VCF-style: chr2-152384041-CG-C.
Other names: c.21793del, p.Arg7265fs (NM_001164507.2); c.21898del, p.Arg7300fs (NM_001271208.2); c.16690del, p.Arg5564fs (NM_004543.5); short protein forms R7265fs, R5564fs, R7300fs.
Identifiers: ClinVar variation 2825045 (VCV002825045.3), dbSNP rs2552131463, ClinGen allele CA2739271328.